The following is an entry in ClinVar:

ClinVar aggregate classification (germline): Pathogenic/Likely pathogenic. Review status: criteria provided, multiple submitters, no conflicts (2 of 4 stars). 10 submissions from 9 submitters: Pathogenic (5); Likely pathogenic (3). 2 of the submissions do not count toward it. Last evaluated 2025-06-27.

Conditions:
Retinal dystrophy. Also called: Inherited retinal dystrophy. Identifiers: Orphanet 71862, MedGen C0854723, MeSH D058499, MONDO:0019118, HP:0000556.
Retinitis pigmentosa 39 (RP39). Identifiers: Orphanet 791, MedGen C3151138, MONDO:0013436, OMIM 613809.
Usher syndrome type 2A. Also called: USHER SYNDROME, TYPE IIA; RETINAL DISEASE IN USHER SYNDROME TYPE IIA, MODIFIER OF. Identifiers: Orphanet 231178, Orphanet 886, MedGen C1848634, MONDO:0010169, OMIM 276901.
USH2A-related disorder. Also called: USH2A-related disorders; USH2A-related condition. Identifiers: MedGen CN239332.

Allele frequency attached by ClinVar (database versions not stated): gnomAD exomes below 0.00001; ExAC 0.00001; gnomAD 0.00001; TOPMed 0.00005.
gnomAD v4.1: 9 of 1,613,878 alleles (0.00056%); highest among the groups gnomAD compares: Admixed American, 0.005%; no homozygotes.

Submissions (10):

Labcorp Genetics (formerly Invitae), Labcorp
Classification: Pathogenic. Last evaluated: 2025-06-27. Review status: criteria provided, single submitter. Criteria: Invitae Variant Classification Sherloc (09022015). Collection method: clinical testing. Allele origin: germline.
Comment: This sequence change replaces cysteine, which is neutral and slightly polar, with tyrosine, which is neutral and polar, at codon 575 of the USH2A protein (p.Cys575Tyr). This variant is present in population databases (rs483353054, gnomAD 0.003%). This missense change has been observed in individuals with Usher syndrome (PMID: 21569298, 24944099, 25425308, 28894305). ClinVar contains an entry for this variant (Variation ID: 552511). Invitae Evidence Modeling of protein sequence and biophysical properties (such as structural, functional, and spatial information, amino acid conservation, physicochemical variation, residue mobility, and thermodynamic stability) indicates that this missense variant is expected to disrupt USH2A protein function with a positive predictive value of 95%. This variant disrupts the p.Cys575 amino acid residue in USH2A. Other variant(s) that disrupt this residue have been observed in individuals with USH2A-related conditions (PMID: 15325563), which suggests that this may be a clinically significant amino acid residue. For these reasons, this variant has been classified as Pathogenic.

PreventionGenetics, part of Exact Sciences
Classification: Pathogenic for USH2A-related condition. Last evaluated: 2025-01-14. Review status: criteria provided, single submitter. Criteria: ACMG Guidelines, 2015. Collection method: clinical testing. Allele origin: germline.
Comment: The USH2A c.1724G>A variant is predicted to result in the amino acid substitution p.Cys575Tyr. This variant has been reported in the compound heterozygous or apparently homozygous state in patients with USH2A-related conditions (Castro-Miró et al. 2016. PubMed ID: 28005958; Cabanillas et al. 2018. PubMed ID: 29986705; Table S1, Stone. 2017. PubMed ID: 28559085). This variant has also been reported in individuals with USH2A-related conditions who harbored a second causative variant, although segregation analysis was not performed (for example, Santos et al. 2022. PubMed ID: 36003347; Table S2, Mansard et al. 2021. PubMed ID: 34948090; Sengillo et al. 2017. PubMed ID: 28894305; Table S1, Schlottmann et al. 2023. PubMed ID: 37217489; Zein et al. 2015. PubMed ID: 25425308; Table S1, Baux et al. 2014. PubMed ID: 24944099). This variant is reported in 0.0029% of alleles in individuals of Latino descent in gnomAD. This variant is interpreted as pathogenic.

Baylor Genetics
Classification: Pathogenic for Retinitis pigmentosa 39. Last evaluated: 2024-02-29. Review status: criteria provided, single submitter. Criteria: ACMG Guidelines, 2015. Collection method: clinical testing. Allele origin: unknown.

Fulgent Genetics
Classification: Pathogenic for Usher syndrome type 2A; Retinitis pigmentosa 39. Last evaluated: 2024-01-20. Review status: criteria provided, single submitter. Criteria: ACMG Guidelines, 2015. Collection method: clinical testing. Allele origin: germline.

Genome-Nilou Lab
Classification: Likely pathogenic for Retinitis pigmentosa 39. Last evaluated: 2023-11-04. Review status: criteria provided, single submitter. Criteria: ACMG Guidelines, 2015. Collection method: clinical testing. Allele origin: germline. Affected: no.

Genome-Nilou Lab
Classification: Likely pathogenic for Usher syndrome type 2A. Last evaluated: 2023-11-04. Review status: criteria provided, single submitter. Criteria: ACMG Guidelines, 2015. Collection method: clinical testing. Allele origin: germline. Affected: no.

Blueprint Genetics
Classification: Pathogenic for USH2A-related disorders. Last evaluated: 2022-04-02. Review status: criteria provided, single submitter. Criteria: ACMG Guidelines, 2015. Collection method: clinical testing. Allele origin: germline. Affected: yes. Observed: 5 variant alleles.

Institute of Human Genetics, Univ. Regensburg, Univ. Regensburg
Classification: Likely pathogenic for Retinal dystrophy. Last evaluated: 2009-01-01. Review status: criteria provided, single submitter. Criteria: ACMG Guidelines, 2015. Collection method: clinical testing. Allele origin: germline. Affected: yes.

Natera, Inc.
Classification: Pathogenic for Usher syndrome type 2A. Last evaluated: 2020-09-16. Review status: no assertion criteria provided. Collection method: clinical testing. Allele origin: germline. Not counted in ClinVar's aggregate classification.

Counsyl
Classification: Likely pathogenic for Usher syndrome type 2A; Retinitis pigmentosa 39. Last evaluated: 2017-06-14. Review status: no assertion criteria provided. Collection method: clinical testing. Allele origin: unknown. Not counted in ClinVar's aggregate classification.

Literature cited by the submitters: PubMed 21569298 (cited by Labcorp Genetics (formerly Invitae), Labcorp and Institute of Human Genetics, Univ. Regensburg, Univ. Regensburg); PubMed 24944099 (cited by Labcorp Genetics (formerly Invitae), Labcorp and Counsyl); PubMed 25425308 (cited by Labcorp Genetics (formerly Invitae), Labcorp); PubMed 28894305 (cited by Labcorp Genetics (formerly Invitae), Labcorp); PubMed 15325563 (cited by Labcorp Genetics (formerly Invitae), Labcorp); PubMed 28559085 (cited by Institute of Human Genetics, Univ. Regensburg, Univ. Regensburg); PubMed 29986705 (cited by Institute of Human Genetics, Univ. Regensburg, Univ. Regensburg); PubMed 31589614 (cited by Institute of Human Genetics, Univ. Regensburg, Univ. Regensburg); PubMed 31054281 (cited by Institute of Human Genetics, Univ. Regensburg, Univ. Regensburg); PubMed 31964843 (cited by Institute of Human Genetics, Univ. Regensburg, Univ. Regensburg); PubMed 32037395 (cited by Institute of Human Genetics, Univ. Regensburg, Univ. Regensburg); PubMed 32188678 (cited by Institute of Human Genetics, Univ. Regensburg, Univ. Regensburg); PubMed 34948090 (cited by Institute of Human Genetics, Univ. Regensburg, Univ. Regensburg); PubMed 28005958 (cited by Counsyl); PubMed 22563300 (cited by Counsyl).

NM_206933.4(USH2A):c.1724G>A (p.Cys575Tyr)

Gene: USH2A (usherin; minus strand). Cytogenetic location: 1q41.
Variant type: single nucleotide variant.
Coding change: c.1724G>A on transcript NM_206933.4 (MANE Select); coding-DNA position 1724, G replaced by A.
Protein change: p.Cys575Tyr; replaces cysteine 575 with tyrosine.
Molecular consequence: missense variant.
Genome position (GRCh38, 1-based): chr1:216,292,291, C>T on the plus strand (G>A on the coding strand, the complement: USH2A is on the minus strand). VCF-style: chr1-216292291-C-T. GRCh37 (hg19) VCF-style: chr1-216465633-C-T.
Other names: c.1724G>A, p.Cys575Tyr (NM_007123.6); short protein forms C575Y.
Identifiers: ClinVar variation 552511 (VCV000552511.22), dbSNP rs483353054, ClinGen allele CA1396414.